The following is an entry in ClinVar:

NM_000465.4(BARD1):c.1701T>G (p.Asp567Glu)

Gene: BARD1 (BRCA1 associated RING domain 1; minus strand). Cytogenetic location: 2q35.
Variant type: single nucleotide variant.
Coding change: c.1701T>G on transcript NM_000465.4 (MANE Select); coding-DNA position 1701, T replaced by G.
Protein change: p.Asp567Glu; replaces aspartic acid 567 with glutamic acid.
Molecular consequence: missense variant. On other transcripts: non-coding transcript variant (3), intron variant (1).
Genome position (GRCh38, 1-based): chr2:214,745,831, A>C on the plus strand (T>G on the coding strand, the complement: BARD1 is on the minus strand). VCF-style: chr2-214745831-A-C. GRCh37 (hg19) VCF-style: chr2-215610555-A-C.
Other names: c.1644T>G, p.Asp548Glu (NM_001282543.2); c.348T>G, p.Asp116Glu (NM_001282545.2); c.291T>G, p.Asp97Glu (NM_001282548.2); c.365-15323T>G (NM_001282549.2); short protein forms D116E, D567E, D97E, D548E.
Identifiers: ClinVar variation 3479709 (VCV003479709.1).

ClinVar aggregate classification (germline): Uncertain significance (1 of 4 stars; one submission).

Conditions:
Hereditary cancer-predisposing syndrome. Also called: Tumor predisposition; Neoplastic Syndromes, Hereditary; Hereditary neoplastic syndrome; Hereditary Cancer Syndrome. Identifiers: Orphanet 140162, MedGen C0027672, MeSH D009386, MONDO:0015356.

Submission:

Ambry Genetics
Classification: Uncertain significance for Hereditary cancer-predisposing syndrome. Last evaluated: 2024-08-06. Review status: criteria provided, single submitter. Criteria: Ambry Variant Classification Scheme 2023. Collection method: clinical testing. Allele origin: germline.
Comment: The p.D567E variant (also known as c.1701T>G), located in coding exon 8 of the BARD1 gene, results from a T to G substitution at nucleotide position 1701. The aspartic acid at codon 567 is replaced by glutamic acid, an amino acid with highly similar properties. This amino acid position is poorly conserved in available vertebrate species. In addition, this alteration is predicted to be tolerated by in silico analysis. Based on the available evidence, the clinical significance of this variant remains unclear.